The following is an entry in ClinVar:

NM_001003722.2(GLE1):c.2089C>T (p.Arg697Cys)

Genes: GLE1 (GLE1 RNA export mediator; plus strand), LOC101929270 (uncharacterized LOC101929270; minus strand). Cytogenetic location: 9q34.11.
Variant type: single nucleotide variant.
Coding change: c.2089C>T on transcript NM_001003722.2 (MANE Select); coding-DNA position 2089, C replaced by T.
Protein change: p.Arg697Cys; replaces arginine 697 with cysteine.
Molecular consequence: missense variant.
Genome position (GRCh38, 1-based): chr9:128,541,162, C>T. VCF-style: chr9-128541162-C-T. GRCh37 (hg19) VCF-style: chr9-131303441-C-T.
Other names: c.2116C>T, p.Arg706Cys (NM_001411013.1); short protein forms R697C, R706C.
Identifiers: ClinVar variation 2634846 (VCV002634846.2), dbSNP rs763629913, ClinGen allele CA5264069.

ClinVar aggregate classification (germline): Uncertain significance (1 of 4 stars; one submission).

Conditions:
GLE1-related disorder. Also called: GLE1-related condition; GLE1-related disorders.

Allele frequency attached by ClinVar (database versions not stated): ExAC 0.00001; gnomAD 0.00001; gnomAD exomes 0.00002; TOPMed 0.00002.
gnomAD v4.1: 22 of 1,558,350 alleles (0.0014%); highest among the groups gnomAD compares: Admixed American, 0.0083%; no homozygotes.

Submission:

PreventionGenetics, part of Exact Sciences
Classification: Uncertain significance for GLE1-related condition. Last evaluated: 2025-09-08. Review status: criteria provided, single submitter. Criteria: ACMG Guidelines, 2015. Collection method: clinical testing. Allele origin: germline.
Comment: The GLE1 c.2089C>T variant is predicted to result in the amino acid substitution p.Arg697Cys. This variant was reported in an individual with amyotrophic lateral sclerosis (ALS); however, pathogenicity was not established (Kaneb et al 2015. PubMed ID: 25343993). This variant is reported in 0.014% of alleles in individuals of Latino descent in gnomAD. At this time, the clinical significance of this variant is uncertain due to the absence of conclusive functional and genetic evidence.